The following is an entry in ClinVar:

NM_014874.4(MFN2):c.34G>A (p.Val12Ile)

Gene: MFN2 (mitofusin 2; plus strand). Cytogenetic location: 1p36.22.
Variant type: single nucleotide variant.
Coding change: c.34G>A on transcript NM_014874.4 (MANE Select); coding-DNA position 34, G replaced by A.
Protein change: p.Val12Ile; replaces valine 12 with isoleucine.
Molecular consequence: missense variant.
Genome position (GRCh38, 1-based): chr1:11,989,202, G>A. VCF-style: chr1-11989202-G-A. GRCh37 (hg19) VCF-style: chr1-12049259-G-A.
Other names: c.34G>A, p.Val12Ile (NM_001127660.2); short protein forms V12I.
Identifiers: ClinVar variation 573004 (VCV000573004.10), dbSNP rs367715413, ClinGen allele CA598728.

ClinVar aggregate classification (germline): Uncertain significance. Review status: criteria provided, multiple submitters, no conflicts (2 of 4 stars). 2 submissions from 2 submitters: Uncertain significance (2). Last evaluated 2025-09-19.

Conditions:
Inborn genetic diseases. Identifiers: MedGen C0950123, MeSH D030342.
Charcot-Marie-Tooth disease type 2. Also called: Charcot-Marie-Tooth type 2. Identifiers: Orphanet 64746, MedGen C0270914, MONDO:0018993.

Allele frequency attached by ClinVar (database versions not stated): ExAC 0.00001; gnomAD exomes 0.00001; TOPMed 0.00003; ESP Exome Variant Server 0.00008; gnomAD 0.00002 and 0.00005.
gnomAD v4.1: 53 of 1,614,026 alleles (0.0033%); highest among the groups gnomAD compares: African/African-American, 0.013%; 1 homozygote.

Submissions (2):

Labcorp Genetics (formerly Invitae), Labcorp
Classification: Uncertain significance for Charcot-Marie-Tooth disease type 2. Last evaluated: 2025-09-19. Review status: criteria provided, single submitter. Criteria: Invitae Variant Classification Sherloc (09022015). Collection method: clinical testing. Allele origin: germline.
Comment: This sequence change replaces valine, which is neutral and non-polar, with isoleucine, which is neutral and non-polar, at codon 12 of the MFN2 protein (p.Val12Ile). This variant is present in population databases (rs367715413, gnomAD 0.008%). This missense change has been observed in individual(s) with clinical features of Charcot-Marie-Tooth disease (PMID: 34190362; internal data). ClinVar contains an entry for this variant (Variation ID: 573004). Invitae Evidence Modeling of protein sequence and biophysical properties (such as structural, functional, and spatial information, amino acid conservation, physicochemical variation, residue mobility, and thermodynamic stability) indicates that this missense variant is not expected to disrupt MFN2 protein function with a negative predictive value of 80%. In summary, the available evidence is currently insufficient to determine the role of this variant in disease. Therefore, it has been classified as a Variant of Uncertain Significance.

Ambry Genetics
Classification: Uncertain significance for Inborn genetic diseases. Last evaluated: 2019-11-12. Review status: criteria provided, single submitter. Criteria: Ambry Variant Classification Scheme 2023. Collection method: clinical testing. Allele origin: germline.
Comment: The p.V12I variant (also known as c.34G>A), located in coding exon 1 of the MFN2 gene, results from a G to A substitution at nucleotide position 34. The valine at codon 12 is replaced by isoleucine, an amino acid with highly similar properties. This amino acid position is not well conserved in available vertebrate species. In addition, this alteration is predicted to be tolerated by in silico analysis. Since supporting evidence is limited at this time, the clinical significance of this alteration remains unclear.

Literature cited by the submitters: PubMed 34190362 (cited by Labcorp Genetics (formerly Invitae), Labcorp).